The following is an entry in ClinVar:

NM_001854.4(COL11A1):c.780+1G>T

Gene: COL11A1 (collagen type XI alpha 1 chain; minus strand). Cytogenetic location: 1p21.1.
Variant type: single nucleotide variant.
Coding change: c.780+1G>T on transcript NM_001854.4 (MANE Select); the canonical splice donor site of the intron after coding-DNA position 780, G replaced by T.
Molecular consequence: splice donor variant.
Genome position (GRCh38, 1-based): chr1:103,031,115, C>A on the plus strand (G>T on the coding strand, the complement: COL11A1 is on the minus strand). VCF-style: chr1-103031115-C-A. GRCh37 (hg19) VCF-style: chr1-103496671-C-A.
Other names: c.780+1G>T (NM_001190709.2, NM_080629.3, NM_080630.4).
Identifiers: ClinVar variation 2720039 (VCV002720039.3), dbSNP rs2525670078, ClinGen allele CA341159115.

ClinVar aggregate classification (germline): Likely pathogenic (1 of 4 stars; one submission).

Submission:

Labcorp Genetics (formerly Invitae), Labcorp
Classification: Likely pathogenic. Last evaluated: 2025-04-09. Review status: criteria provided, single submitter. Criteria: Invitae Variant Classification Sherloc (09022015). Collection method: clinical testing. Allele origin: germline.
Comment: This sequence change affects a donor splice site in intron 5 of the COL11A1 gene. It is expected to disrupt RNA splicing. Variants that disrupt the donor or acceptor splice site typically lead to a loss of protein function (PMID: 16199547), and loss-of-function variants in COL11A1 are known to be pathogenic (PMID: 20513134, 21035103, 23922384, 25240749, 32427345, 32756486). This variant is not present in population databases (gnomAD no frequency). This variant has not been reported in the literature in individuals affected with COL11A1-related conditions. ClinVar contains an entry for this variant (Variation ID: 2720039). Algorithms developed to predict the effect of sequence changes on RNA splicing suggest that this variant may disrupt the consensus splice site. In summary, the currently available evidence indicates that the variant is pathogenic, but additional data are needed to prove that conclusively. Therefore, this variant has been classified as Likely Pathogenic.

Literature cited by the submitters: PubMed 16199547; PubMed 20513134; PubMed 21035103; PubMed 23922384; PubMed 25240749; PubMed 32427345; PubMed 32756486.